The following is an entry in ClinVar:

ClinVar aggregate classification (germline): Uncertain significance (1 of 4 stars; one submission).

Submission:

Labcorp Genetics (formerly Invitae), Labcorp
Classification: Uncertain significance. Last evaluated: 2021-10-04. Review status: criteria provided, single submitter. Criteria: Invitae Variant Classification Sherloc (09022015). Collection method: clinical testing. Allele origin: germline.
Comment: This variant is not present in population databases (ExAC no frequency). In summary, the available evidence is currently insufficient to determine the role of this variant in disease. Therefore, it has been classified as a Variant of Uncertain Significance. Algorithms developed to predict the effect of sequence changes on RNA splicing suggest that this variant may create or strengthen a splice site. This variant has not been reported in the literature in individuals affected with PDE6B-related conditions. This sequence change falls in intron 9 of the PDE6B gene. It does not directly change the encoded amino acid sequence of the PDE6B protein.

NM_000283.4(PDE6B):c.1258-19_1259dup

Gene: PDE6B (phosphodiesterase 6B; plus strand). Cytogenetic location: 4p16.3.
Variant type: Duplication.
Coding change: c.1258-19_1259dup on transcript NM_000283.4 (MANE Select); 19 bases into the intron before coding-DNA position 1258 through coding-DNA position 1259, 21 bases duplicated (ACACTGCCATCCCCTCCAGTC).
Molecular consequence: splice acceptor variant.
Genome position (GRCh38, 1-based): chr4:657,332-657,352, ACACTGCCATCCCCTCCAGTC duplicated. VCF-style (leftmost placement, unchanged base first): chr4-657331-G-GACACTGCCATCCCCTCCAGTC. GRCh37 (hg19) VCF-style: chr4-651120-G-GACACTGCCATCCCCTCCAGTC.
Other names: c.1258-19_1259dup (NM_001145291.2); c.421-19_422dup (NM_001379246.1, NM_001379247.1, NM_001145292.2 and 1 more transcripts); c.103-19_104dup (NM_001350155.3).
Identifiers: ClinVar variation 1408206 (VCV001408206.6), dbSNP rs2109217636, ClinGen allele CA2573138217.